The following is an entry in ClinVar:

NM_007373.4(SHOC2):c.1580A>C (p.Asn527Thr)

Gene: SHOC2 (SHOC2 leucine rich repeat scaffold protein; plus strand). Cytogenetic location: 10q25.2.
Variant type: single nucleotide variant.
Coding change: c.1580A>C on transcript NM_007373.4 (MANE Select); coding-DNA position 1580, A replaced by C.
Protein change: p.Asn527Thr; replaces asparagine 527 with threonine.
Molecular consequence: missense variant. On other transcripts: non-coding transcript variant (1).
Genome position (GRCh38, 1-based): chr10:111,011,649, A>C. VCF-style: chr10-111011649-A-C. GRCh37 (hg19) VCF-style: chr10-112771407-A-C.
Other names: c.1442A>C, p.Asn481Thr (NM_001269039.3); c.1580A>C, p.Asn527Thr (NM_001324336.2, NM_001324337.2); short protein forms N481T, N527T.
Identifiers: ClinVar variation 3375383 (VCV003375383.1).

ClinVar aggregate classification (germline): Uncertain significance (1 of 4 stars; one submission).

Submission:

Women's Health and Genetics/Laboratory Corporation of America, LabCorp
Classification: Uncertain significance. Last evaluated: 2024-09-19. Review status: criteria provided, single submitter. Criteria: LabCorp Variant Classification Summary - May 2015. Collection method: clinical testing. Allele origin: germline.
Comment: Variant summary: SHOC2 c.1580A>C (p.Asn527Thr) results in a non-conservative amino acid change in the encoded protein sequence. Five of five in-silico tools predict a damaging effect of the variant on protein function. The variant was absent in 251442 control chromosomes. The available data on variant occurrences in the general population are insufficient to allow any conclusion about variant significance. To our knowledge, no occurrence of c.1580A>C in individuals affected with Noonan Syndrome With Loose Anagen Hair and no experimental evidence demonstrating its impact on protein function have been reported. No submitters have cited clinical-significance assessments for this variant to ClinVar. Based on the evidence outlined above, the variant was classified as uncertain significance.